The following is an entry in ClinVar:

NM_006445.4(PRPF8):c.935A>G (p.Tyr312Cys)

Gene: PRPF8 (pre-mRNA processing factor 8; minus strand). Cytogenetic location: 17p13.3.
Variant type: single nucleotide variant.
Coding change: c.935A>G on transcript NM_006445.4 (MANE Select); coding-DNA position 935, A replaced by G.
Protein change: p.Tyr312Cys; replaces tyrosine 312 with cysteine.
Molecular consequence: missense variant.
Genome position (GRCh38, 1-based): chr17:1,680,986, T>C on the plus strand (A>G on the coding strand, the complement: PRPF8 is on the minus strand). VCF-style: chr17-1680986-T-C. GRCh37 (hg19) VCF-style: chr17-1584280-T-C.
Other names: short protein forms Y312C.
Identifiers: ClinVar variation 4744010 (VCV004744010.1).
Genomic context (GRCh38, chr17:1,680,986, plus strand): 5'-TACCAGGTGAGGTGGACATGGTGTGGAAGATTGTTGTACAAGTAAGGAAAAGCAATCTTG[T>C]ACTCAGTGCGGATAGGCTGCCGGATGATAATCTTGTTAATATCATTGAATTCATTCCAGT-3'
Protein context (NP_006436.3, residues 302-322): IIIRQPIRTE[Tyr312Cys]KIAFPYLYNN

ClinVar aggregate classification (germline): Uncertain significance (1 of 4 stars; one submission).

Submission:

Labcorp Genetics (formerly Invitae), Labcorp
Classification: Uncertain significance. Last evaluated: 2025-03-31. Review status: criteria provided, single submitter. Criteria: Invitae Variant Classification Sherloc (09022015). Collection method: clinical testing. Allele origin: germline.
Comment: This sequence change replaces tyrosine, which is neutral and polar, with cysteine, which is neutral and slightly polar, at codon 312 of the PRPF8 protein (p.Tyr312Cys). This variant is not present in population databases (gnomAD no frequency). This variant has not been reported in the literature in individuals affected with PRPF8-related conditions. Invitae Evidence Modeling of protein sequence and biophysical properties (such as structural, functional, and spatial information, amino acid conservation, physicochemical variation, residue mobility, and thermodynamic stability) has been performed for this missense variant. However, the output from this modeling did not meet the statistical confidence thresholds required to predict the impact of this variant on PRPF8 protein function. In summary, the available evidence is currently insufficient to determine the role of this variant in disease. Therefore, it has been classified as a Variant of Uncertain Significance.